The following is an entry in ClinVar:

ClinVar aggregate classification (germline): Likely benign (1 of 4 stars; one submission).

Submission:

CeGaT Center for Human Genetics Tuebingen
Classification: Likely benign. Last evaluated: 2025-08-01. Review status: criteria provided, single submitter. Criteria: CeGaT Center For Human Genetics Tuebingen Variant Classification Criteria Version 2. Collection method: clinical testing. Allele origin: germline. Affected: yes. Observed: 1 variant allele.
Comment: GPC3: PM2:Supporting, BP4, BP7

NM_004484.4(GPC3):c.255A>G (p.Ala85=)

Gene: GPC3 (glypican 3; minus strand). Cytogenetic location: Xq26.2.
Variant type: single nucleotide variant.
Coding change: c.255A>G on transcript NM_004484.4 (MANE Select); coding-DNA position 255, A replaced by G.
Protein change: p.Ala85=; no amino-acid change (alanine 85 retained).
Molecular consequence: synonymous variant. On other transcripts: intron variant (1).
Genome position (GRCh38, 1-based): chrX:133,953,132, T>C on the plus strand (A>G on the coding strand, the complement: GPC3 is on the minus strand). VCF-style: chrX-133953132-T-C. GRCh37 (hg19) VCF-style: chrX-133087159-T-C.
Other names: c.255A>G, p.Ala85= (NM_001164617.2, NM_001164618.2); c.175+32143A>G (NM_001164619.2).
Identifiers: ClinVar variation 4084771 (VCV004084771.8).
Genomic context (GRCh38, chrX:133,953,132, plus strand): 5'-AATAATTAAGAACTTGAGCTCCATACTTGCAGACTGAAGCAGCTGTTCCATGTTCAATCG[T>C]GCTGTTAGTTGGTATTTTTCTTCCATCTTTCTTGAGCAGCATGTTGGGCCCTTAGGGAGA-3'
Protein context (NP_004475.1, residues 75-95): RKMEEKYQLT[Ala85=]RLNMEQLLQS